The following is an entry in ClinVar:

ClinVar aggregate classification (germline): Conflicting classifications of pathogenicity. Review status: criteria provided, conflicting classifications (1 of 4 stars). 4 submissions from 4 submitters: Uncertain significance (3); Likely benign (1). Last evaluated 2026-02-23.

Conditions:
Charcot-Marie-Tooth disease. Also called: Charcot-Marie-Tooth Neuropathy; Charcot-Marie-Tooth Hereditary Neuropathy. Identifiers: Orphanet 166, MedGen C0007959, MONDO:0015626.
Inborn genetic diseases. Identifiers: MedGen C0950123, MeSH D030342.
SH3TC2-related disorder. Also called: SH3TC2-related disorders; SH3TC2-related condition. Identifiers: MedGen CN239303.
Charcot-Marie-Tooth disease type 4. Also called: Charcot-Marie-Tooth disease, type IV; Charcot-Marie-Tooth, Type 4. Identifiers: Orphanet 64749, MedGen C4082197, MONDO:0018995.

Allele frequency attached by ClinVar (database versions not stated): gnomAD 0.00001; TOPMed 0.00004; ExAC 0.00009; gnomAD exomes 0.00009.
gnomAD v4.1: 26 of 1,614,082 alleles (0.0016%); highest among the groups gnomAD compares: East Asian, 0.033%; no homozygotes.

Submissions (4):

PreventionGenetics, part of Exact Sciences
Classification: Uncertain significance for SH3TC2-related condition. Last evaluated: 2026-02-23. Review status: criteria provided, single submitter. Criteria: ACMG Guidelines, 2015. Collection method: clinical testing. Allele origin: germline.
Comment: The SH3TC2 c.3296G>A variant is predicted to result in the amino acid substitution p.Arg1099His. This variant was reported in an individual with Charcot-Marie-Tooth disease (Table S2, Volodarsky et al. 2021. PubMed ID: 32376792). This variant is reported in 0.11% of alleles in individuals of East Asian descent in gnomAD. Although we suspect that this variant may be benign, at this time, the clinical significance of this variant is uncertain due to the absence of conclusive functional and genetic evidence.

Labcorp Genetics (formerly Invitae), Labcorp
Classification: Likely benign for Charcot-Marie-Tooth disease type 4. Last evaluated: 2025-08-31. Review status: criteria provided, single submitter. Criteria: Invitae Variant Classification Sherloc (09022015). Collection method: clinical testing. Allele origin: germline.

Ambry Genetics
Classification: Uncertain significance for Inborn genetic diseases. Last evaluated: 2022-02-16. Review status: criteria provided, single submitter. Criteria: Ambry Variant Classification Scheme 2023. Collection method: clinical testing. Allele origin: germline.
Comment: The p.R1099H variant (also known as c.3296G>A), located in coding exon 14 of the SH3TC2 gene, results from a G to A substitution at nucleotide position 3296. The arginine at codon 1099 is replaced by histidine, an amino acid with highly similar properties. This amino acid position is well conserved in available vertebrate species; however, histidine is the reference amino acid in other vertebrate species. In addition, this alteration is predicted to be tolerated by in silico analysis. Since supporting evidence is limited at this time, the clinical significance of this alteration remains unclear.

Molecular Genetics Laboratory, London Health Sciences Centre
Classification: Uncertain significance for Charcot-Marie-Tooth disease. Review status: criteria provided, single submitter. Criteria: ACMG Guidelines, 2015. Collection method: clinical testing. Allele origin: germline. Affected: yes.

NM_024577.4(SH3TC2):c.3296G>A (p.Arg1099His)

Gene: SH3TC2 (SH3 domain and tetratricopeptide repeats 2; minus strand). Cytogenetic location: 5q32.
Variant type: single nucleotide variant.
Coding change: c.3296G>A on transcript NM_024577.4 (MANE Select); coding-DNA position 3296, G replaced by A.
Protein change: p.Arg1099His; replaces arginine 1099 with histidine.
Molecular consequence: missense variant.
Genome position (GRCh38, 1-based): chr5:149,010,301, C>T on the plus strand (G>A on the coding strand, the complement: SH3TC2 is on the minus strand). VCF-style: chr5-149010301-C-T. GRCh37 (hg19) VCF-style: chr5-148389864-C-T.
Other names: short protein forms R1099H.
Identifiers: ClinVar variation 917191 (VCV000917191.11), dbSNP rs748413646, ClinGen allele CA3498788.
Genomic context (GRCh38, chr5:149,010,301, plus strand): 5'-TCTCAGCAAACTGCACAGCTTGGACTTACTCGGTAGTACTCCACTGCATGATGCCTGTGG[C>T]GGGTCCCATTGAAGAACACATCACCTGCTTCTTCATAAAGTTTGAGAGCCAGCAAAGGCT-3'
Protein context (NP_078853.2, residues 1089-1109): EAGDVFFNGT[Arg1099His]HRHHAVEYYR